The following is an entry in ClinVar:

NM_021942.6(TRAPPC11):c.1198G>A (p.Gly400Arg)

Gene: TRAPPC11 (trafficking protein particle complex subunit 11; plus strand). Cytogenetic location: 4q35.1.
Variant type: single nucleotide variant.
Coding change: c.1198G>A on transcript NM_021942.6 (MANE Select); coding-DNA position 1198, G replaced by A.
Protein change: p.Gly400Arg; replaces glycine 400 with arginine.
Molecular consequence: missense variant.
Genome position (GRCh38, 1-based): chr4:183,682,816, G>A. VCF-style: chr4-183682816-G-A. GRCh37 (hg19) VCF-style: chr4-184603969-G-A.
Other names: c.1198G>A, p.Gly400Arg (NM_199053.3); short protein forms G400R.
Identifiers: ClinVar variation 947700 (VCV000947700.9), dbSNP rs947836057, ClinGen allele CA111848409.

ClinVar aggregate classification (germline): Uncertain significance. Review status: criteria provided, multiple submitters, no conflicts (2 of 4 stars). 2 submissions from 2 submitters: Uncertain significance (2). Last evaluated 2026-01-19.

Conditions:
Autosomal recessive limb-girdle muscular dystrophy type R18 (LGMDR18). Also called: MUSCULAR DYSTROPHY, LIMB-GIRDLE, AUTOSOMAL RECESSIVE 18; Autosomal recessive limb-girdle muscular dystrophy type 2S; Limb-girdle muscular dystrophy, type 2S. Identifiers: Orphanet 369840, MedGen C4517996, MONDO:0014144, OMIM 615356.

Allele frequency attached by ClinVar (database versions not stated): gnomAD 0.00002; gnomAD exomes 0.00002 and 0.00004; TOPMed 0.00002.
gnomAD v4.1: 17 of 1,610,046 alleles (0.0011%); highest among the groups gnomAD compares: Admixed American, 0.027%; no homozygotes.

Submissions (2):

Labcorp Genetics (formerly Invitae), Labcorp
Classification: Uncertain significance for Autosomal recessive limb-girdle muscular dystrophy type R18. Last evaluated: 2026-01-19. Review status: criteria provided, single submitter. Criteria: Invitae Variant Classification Sherloc (09022015). Collection method: clinical testing. Allele origin: germline.
Comment: This sequence change replaces glycine, which is neutral and non-polar, with arginine, which is basic and polar, at codon 400 of the TRAPPC11 protein (p.Gly400Arg). This variant is present in population databases (no rsID available, gnomAD 0.03%). This variant has not been reported in the literature in individuals affected with TRAPPC11-related conditions. ClinVar contains an entry for this variant (Variation ID: 947700). Invitae Evidence Modeling of protein sequence and biophysical properties (such as structural, functional, and spatial information, amino acid conservation, physicochemical variation, residue mobility, and thermodynamic stability) indicates that this missense variant is expected to disrupt TRAPPC11 protein function with a positive predictive value of 80%. In summary, the available evidence is currently insufficient to determine the role of this variant in disease. Therefore, it has been classified as a Variant of Uncertain Significance.

GeneDx
Classification: Uncertain significance. Last evaluated: 2025-02-11. Review status: criteria provided, single submitter. Criteria: GeneDx Variant Classification Process June 2021. Collection method: clinical testing. Allele origin: germline. Affected: yes.
Comment: In silico analysis supports that this missense variant has a deleterious effect on protein structure/function; Has not been previously published as pathogenic or benign to our knowledge